The following is an entry in ClinVar:

ClinVar aggregate classification (germline): Uncertain significance (1 of 4 stars; one submission).

Conditions:
Dystonia 12 (DYT12). Also called: DYT-ATP1A3; Rapid-Onset Dystonia-Parkinsonism (RDP). Identifiers: Orphanet 71517, MedGen C1868681, MONDO:0007496, OMIM 128235.

Submission:

MGZ Medical Genetics Center
Classification: Uncertain significance for Dystonia 12. Last evaluated: 2021-09-20. Review status: criteria provided, single submitter. Criteria: ACMG Guidelines, 2015. Collection method: clinical testing. Allele origin: germline. Affected: yes. Observed: 1 variant allele.
Comment: ACMG criteria applied: PM2_SUP

NM_152296.5(ATP1A3):c.2940T>A (p.Cys980Ter)

Gene: ATP1A3 (ATPase Na+/K+ transporting subunit alpha 3; minus strand). Cytogenetic location: 19q13.2.
Variant type: single nucleotide variant.
Coding change: c.2940T>A on transcript NM_152296.5 (MANE Select); coding-DNA position 2940, T replaced by A.
Protein change: p.Cys980Ter; replaces cysteine 980 with a stop codon.
Molecular consequence: nonsense.
Genome position (GRCh38, 1-based): chr19:41,967,322, A>T on the plus strand (T>A on the coding strand, the complement: ATP1A3 is on the minus strand). VCF-style: chr19-41967322-A-T. GRCh37 (hg19) VCF-style: chr19-42471474-A-T.
Other names: c.2973T>A, p.Cys991Ter (NM_001256213.2); c.2979T>A, p.Cys993Ter (NM_001256214.2); short protein forms C980*, C991*, C993*.
Identifiers: ClinVar variation 1709953 (VCV001709953.2), dbSNP rs2514023757, ClinGen allele CA406035202.
Genomic context (GRCh38, chr19:41,967,322, plus strand): 5'-GCGCAGGATGAGTTTGCGGATTTCGTCGTAGACGAAGATGAGGAAACTGTAGGGGAAGGC[A>T]CAGAACCACCAGCTGGGCCTGCAGAGGGGAGAGCAGGAGGGCTTGAGTGCGGGGCCCTAA-3'